The following is an entry in ClinVar:

NM_153365.3(TAPT1):c.478G>T (p.Val160Leu)

Gene: TAPT1 (transmembrane anterior posterior transformation 1; minus strand). Cytogenetic location: 4p15.32.
Variant type: single nucleotide variant.
Coding change: c.478G>T on transcript NM_153365.3 (MANE Select); coding-DNA position 478, G replaced by T.
Protein change: p.Val160Leu; replaces valine 160 with leucine.
Molecular consequence: missense variant.
Genome position (GRCh38, 1-based): chr4:16,191,495, C>A on the plus strand (G>T on the coding strand, the complement: TAPT1 is on the minus strand). VCF-style: chr4-16191495-C-A. GRCh37 (hg19) VCF-style: chr4-16193118-C-A.
Other names: short protein forms V160L.
Identifiers: ClinVar variation 1461067 (VCV001461067.6), dbSNP rs1369235854, ClinGen allele CA356496208.

ClinVar aggregate classification (germline): Uncertain significance (1 of 4 stars; one submission).

gnomAD v4.1: 7 of 1,562,334 alleles (0.00045%); highest among the groups gnomAD compares: Non-Finnish European, 0.00061%; no homozygotes.

Submission:

Labcorp Genetics (formerly Invitae), Labcorp
Classification: Uncertain significance. Last evaluated: 2021-07-28. Review status: criteria provided, single submitter. Criteria: Invitae Variant Classification Sherloc (09022015). Collection method: clinical testing. Allele origin: germline.
Comment: In summary, the available evidence is currently insufficient to determine the role of this variant in disease. Therefore, it has been classified as a Variant of Uncertain Significance. Algorithms developed to predict the effect of missense changes on protein structure and function (SIFT, PolyPhen-2, Align-GVGD) all suggest that this variant is likely to be tolerated. This variant has not been reported in the literature in individuals affected with TAPT1-related conditions. This variant is not present in population databases (ExAC no frequency). This sequence change replaces valine with leucine at codon 160 of the TAPT1 protein (p.Val160Leu). The valine residue is moderately conserved and there is a small physicochemical difference between valine and leucine.